The following is an entry in ClinVar:

NM_000535.7(PMS2):c.451del (p.Arg151fs)

Gene: PMS2 (PMS1 homolog 2, mismatch repair system component; minus strand). Cytogenetic location: 7p22.1.
Variant type: Deletion.
Coding change: c.451del on transcript NM_000535.7 (MANE Select); coding-DNA position 451, one base deleted (C; older notation c.451delC).
Protein change: p.Arg151fs; shifts the reading frame from arginine 151.
Molecular consequence: frameshift variant. On other transcripts: 5 prime UTR variant (2), non-coding transcript variant (1).
Genome position (GRCh38, 1-based): chr7:6,002,539, G deleted on the plus strand (C on the coding strand, the reverse complement: PMS2 is on the minus strand); the first of 5 consecutive G bases (chr7:6,002,539-6,002,543); deleting any one gives the same sequence. VCF-style (leftmost placement, unchanged base first): chr7-6002538-CG-C. GRCh37 (hg19) VCF-style: chr7-6042169-CG-C.
Other names: c.46del, p.Arg16fs (NM_001322003.2, NM_001322004.2, NM_001322005.2 and 3 more transcripts); c.451del, p.Arg151fs (NM_001322006.2, NM_001322014.2); c.133del, p.Arg45fs (NM_001322007.2, NM_001322008.2); c.-434del (NM_001322011.2, NM_001322012.2); c.142del, p.Arg48fs (NM_001322015.2); short protein forms R48fs, R16fs, R45fs, R151fs.
Identifiers: ClinVar variation 630800 (VCV000630800.7), dbSNP rs1562689635, ClinGen allele CA913188244.
Genomic context (GRCh38, chr7:6,002,538, plus strand): 5'-TTATGGCGCACAGGTAGTGTGGAAAATAACTGCTGCACGCTGACTGTGGTCCCTCTGGGG[CG>C]GGGGTAGGGGGTTTTCTGGATAATTTTCCCATTGTGATCAAACATCAGTCGAGTTCCAAC-3'

ClinVar aggregate classification (germline): Pathogenic. Review status: criteria provided, multiple submitters, no conflicts (2 of 4 stars). 5 submissions from 5 submitters: Pathogenic (5). Last evaluated 2026-03-05.

Conditions:
Lynch syndrome 4 (LYNCH4). Also called: Hereditary non-polyposis colorectal cancer, type 4; Colorectal cancer, hereditary nonpolyposis, type 4. Identifiers: Orphanet 144, MedGen C1838333, MONDO:0013699, OMIM 614337. Disease mechanism: loss of function.
Hereditary cancer-predisposing syndrome. Also called: Tumor predisposition; Hereditary Cancer Syndrome; Hereditary neoplastic syndrome; Neoplastic Syndromes, Hereditary. Identifiers: Orphanet 140162, MedGen C0027672, MeSH D009386, MONDO:0015356.

Submissions (5):

Mendelics
Classification: Pathogenic for Lynch syndrome 4. Last evaluated: 2026-03-05. Review status: criteria provided, single submitter. Criteria: ACMG Guidelines, 2015. Collection method: clinical testing. Allele origin: unknown.
Comment: Likely pathogenic/Pathogenic according to ACMG criteria.

Myriad Genetics, Inc.
Classification: Pathogenic for Lynch syndrome 4. Last evaluated: 2023-09-18. Review status: criteria provided, single submitter. Criteria: Myriad Autosomal Dominant, Autosomal Recessive and X-Linked Classification Criteria (2023). Collection method: clinical testing. Allele origin: unknown.
Comment: This variant is considered pathogenic. This variant creates a frameshift predicted to result in premature protein truncation.

Ambry Genetics
Classification: Pathogenic for Hereditary cancer-predisposing syndrome. Last evaluated: 2019-04-11. Review status: criteria provided, single submitter. Criteria: Ambry Variant Classification Scheme 2023. Collection method: clinical testing. Allele origin: germline.
Comment: The c.451delC pathogenic mutation, located in coding exon 5 of the PMS2 gene, results from a deletion of one nucleotide at nucleotide position 451, causing a translational frameshift with a predicted alternate stop codon (p.R151Afs*50). This alteration is expected to result in loss of function by premature protein truncation or nonsense-mediated mRNA decay. As such, this alteration is interpreted as a disease-causing mutation.

Color Diagnostics, LLC DBA Color Health
Classification: Pathogenic for Hereditary cancer-predisposing syndrome. Last evaluated: 2017-11-13. Review status: criteria provided, single submitter. Criteria: ACMG Guidelines, 2015. Collection method: clinical testing. Allele origin: germline.

Genesis Genomics
Classification: Pathogenic for Lynch syndrome 4. Review status: criteria provided, single submitter. Criteria: ACMG Guidelines, 2015. Collection method: clinical testing. Allele origin: germline. Affected: yes. Observed: 1 variant allele.